The following is an entry in ClinVar:

ClinVar aggregate classification (germline): Conflicting classifications of pathogenicity. Review status: criteria provided, conflicting classifications (1 of 4 stars). 2 submissions from 2 submitters: Uncertain significance (1); Likely benign (1). Last evaluated 2024-11-05.

Submissions (2):

Blueprint Genetics
Classification: Likely benign. Last evaluated: 2024-11-05. Review status: criteria provided, single submitter. Criteria: ACMG Guidelines, 2015. Collection method: clinical testing. Allele origin: germline.

Labcorp Genetics (formerly Invitae), Labcorp
Classification: Uncertain significance. Last evaluated: 2024-07-24. Review status: criteria provided, single submitter. Criteria: Invitae Variant Classification Sherloc (09022015). Collection method: clinical testing. Allele origin: germline.
Comment: This variant, c.5103_5111del, results in the deletion of 3 amino acid(s) of the CASZ1 protein (p.Asp1701_Asp1703del), but otherwise preserves the integrity of the reading frame. The frequency data for this variant in the population databases is considered unreliable, as metrics indicate poor data quality at this position in the gnomAD database. This variant has not been reported in the literature in individuals affected with CASZ1-related conditions. Experimental studies and prediction algorithms are not available or were not evaluated, and the functional significance of this variant is currently unknown. In summary, the available evidence is currently insufficient to determine the role of this variant in disease. Therefore, it has been classified as a Variant of Uncertain Significance.

NM_001079843.3(CASZ1):c.5100CGA[1] (p.Asp1701_Asp1703del)

Gene: CASZ1 (castor zinc finger 1; minus strand). Cytogenetic location: 1p36.22.
Variant type: Microsatellite.
Coding change: c.5100CGA[1] on transcript NM_001079843.3 (MANE Select); one copy of the 3-base unit CGA starting at c.5100; the reference has four copies in a row; three copies, 9 bases deleted.
Protein change: p.Asp1701_Asp1703del.
Molecular consequence: inframe deletion.
Genome position (GRCh38, 1-based): chr1:10,639,111-10,639,119, TCGTCGTCG deleted on the plus strand (CGACGACGA on the coding strand, the reverse complement: CASZ1 is on the minus strand); deleting any 9 consecutive bases within chr1:10,639,111-10,639,124 gives the same sequence; the position shown is the placement nearest the transcript's 3' end. VCF-style (leftmost placement, unchanged base first): chr1-10639110-CTCGTCGTCG-C. GRCh37 (hg19) VCF-style: chr1-10699167-CTCGTCGTCG-C.
Identifiers: ClinVar variation 1381212 (VCV001381212.7), dbSNP rs754122507, ClinGen allele CA584080.